The following is an entry in ClinVar:

NM_005585.5(SMAD6):c.817+5G>C

Gene: SMAD6 (SMAD family member 6; plus strand). Cytogenetic location: 15q22.31.
Variant type: single nucleotide variant.
Coding change: c.817+5G>C on transcript NM_005585.5 (MANE Select); 5 bases into the intron after coding-DNA position 817, G replaced by C.
Molecular consequence: intron variant.
Genome position (GRCh38, 1-based): chr15:66,704,080, G>C. VCF-style: chr15-66704080-G-C. GRCh37 (hg19) VCF-style: chr15-66996418-G-C.
Identifiers: ClinVar variation 3709716 (VCV003709716.2).
Genomic context (GRCh38, chr15:66,704,080, plus strand): 5'-CGACGGCCCTACCGTGTGCTGCAACCCCTACCACTTCAGCCGGCTCTGCGGGCCCGGTGA[G>C]CGCGCTGCGCCGGCCGGGGGGGCCCCGGGTCCCCGTCCCCATCCCCTTCCGTGCCCTTCT-3'

ClinVar aggregate classification (germline): Uncertain significance (1 of 4 stars; one submission).

Conditions:
Aortic valve disease 2 (AOVD2). Identifiers: MedGen C3542024, MONDO:0013902, OMIM 614823.

Submission:

Labcorp Genetics (formerly Invitae), Labcorp
Classification: Uncertain significance for Aortic valve disease 2. Last evaluated: 2024-03-06. Review status: criteria provided, single submitter. Criteria: Invitae Variant Classification Sherloc (09022015). Collection method: clinical testing. Allele origin: germline.
Comment: This sequence change falls in intron 1 of the SMAD6 gene. It does not directly change the encoded amino acid sequence of the SMAD6 protein. It affects a nucleotide within the consensus splice site. This variant is not present in population databases (gnomAD no frequency). This variant has not been reported in the literature in individuals affected with SMAD6-related conditions. Variants that disrupt the consensus splice site are a relatively common cause of aberrant splicing (PMID: 17576681, 9536098). Algorithms developed to predict the effect of sequence changes on RNA splicing suggest that this variant may disrupt the consensus splice site. In summary, the available evidence is currently insufficient to determine the role of this variant in disease. Therefore, it has been classified as a Variant of Uncertain Significance.

Literature cited by the submitters: PubMed 17576681; PubMed 9536098.